The following is an entry in ClinVar:

NM_014258.4(SYCP2):c.298-3dup

Gene: SYCP2 (synaptonemal complex protein 2; minus strand). Cytogenetic location: 20q13.33.
Variant type: Duplication.
Coding change: c.298-3dup on transcript NM_014258.4 (MANE Select); 3 bases into the intron before coding-DNA position 298, one base duplicated (T; older notation c.298-3dupT).
Molecular consequence: intron variant.
Genome position (GRCh38, 1-based): chr20:59,919,600, A duplicated on the plus strand (T on the coding strand, the reverse complement: SYCP2 is on the minus strand); the first of 7 consecutive A bases (chr20:59,919,600-59,919,606); duplicating any one gives the same sequence. VCF-style (leftmost placement, unchanged base first): chr20-59919599-T-TA. GRCh37 (hg19) VCF-style: chr20-58494654-T-TA.
Identifiers: ClinVar variation 3037072 (VCV003037072.2), dbSNP rs752295944, ClinGen allele CA9932582.

ClinVar aggregate classification (germline): Likely benign (0 of 4 stars; one submission).

Conditions:
SYCP2-related disorder. Also called: SYCP2-related condition.

Submission:

PreventionGenetics, part of Exact Sciences
Classification: Likely benign for SYCP2-related condition. Last evaluated: 2020-08-04. Review status: no assertion criteria provided. Collection method: clinical testing. Allele origin: germline.
Comment: This variant is classified as likely benign based on ACMG/AMP sequence variant interpretation guidelines (Richards et al. 2015 PMID: 25741868, with internal and published modifications).